The following is an entry in ClinVar:

NM_000083.3(CLCN1):c.2171A>C (p.Glu724Ala)

Gene: CLCN1 (chloride voltage-gated channel 1; plus strand). Cytogenetic location: 7q34.
Variant type: single nucleotide variant.
Coding change: c.2171A>C on transcript NM_000083.3 (MANE Select); coding-DNA position 2171, A replaced by C.
Protein change: p.Glu724Ala; replaces glutamic acid 724 with alanine.
Molecular consequence: missense variant. On other transcripts: non-coding transcript variant (1).
Genome position (GRCh38, 1-based): chr7:143,345,761, A>C. VCF-style: chr7-143345761-A-C. GRCh37 (hg19) VCF-style: chr7-143042854-A-C.
Other names: short protein forms E724A.
Identifiers: ClinVar variation 843261 (VCV000843261.9), dbSNP rs1803225186, ClinGen allele CA369650827.

ClinVar aggregate classification (germline): Likely pathogenic (1 of 4 stars; one submission).

Conditions:
Congenital myotonia, autosomal dominant form (THD). Also called: THOMSEN DISEASE; Myotonia congenita autosomal dominant. Identifiers: Orphanet 614, MedGen C2936781, MONDO:0008055, OMIM 160800.
Congenital myotonia, autosomal recessive form. Also called: Becker Generalized Myotonia; myotonia congenita, autosomal recessive; BECKER DISEASE. Identifiers: Orphanet 614, MedGen C0751360, MONDO:0009715, OMIM 255700.

Submission:

Labcorp Genetics (formerly Invitae), Labcorp
Classification: Likely pathogenic for Congenital myotonia, autosomal recessive form; Congenital myotonia, autosomal dominant form. Last evaluated: 2024-02-16. Review status: criteria provided, single submitter. Criteria: Invitae Variant Classification Sherloc (09022015). Collection method: clinical testing. Allele origin: germline.
Comment: This sequence change replaces glutamic acid, which is acidic and polar, with alanine, which is neutral and non-polar, at codon 724 of the CLCN1 protein (p.Glu724Ala). This variant is not present in population databases (gnomAD no frequency). This missense change has been observed in individuals with clinical features of autosomal recessive myotonia congenita (Invitae). ClinVar contains an entry for this variant (Variation ID: 843261). An algorithm developed to predict the effect of missense changes on protein structure and function (PolyPhen-2) suggests that this variant is likely to be tolerated. Algorithms developed to predict the effect of sequence changes on RNA splicing suggest that this variant may disrupt the consensus splice site. In summary, the currently available evidence indicates that the variant is pathogenic, but additional data are needed to prove that conclusively. Therefore, this variant has been classified as Likely Pathogenic.